The following is an entry in ClinVar:

ClinVar aggregate classification (germline): Pathogenic/Likely pathogenic. Review status: criteria provided, multiple submitters, no conflicts (2 of 4 stars). 2 submissions from 2 submitters: Pathogenic (1); Likely pathogenic (1). Last evaluated 2025-09-02.

Conditions:
Charcot-Marie-Tooth disease dominant intermediate F. Identifiers: Orphanet 352670, MedGen C4749463, MONDO:0014074, OMIM 615185.

Submissions (2):

Labcorp Genetics (formerly Invitae), Labcorp
Classification: Pathogenic for Charcot-Marie-Tooth disease dominant intermediate F. Last evaluated: 2025-09-02. Review status: criteria provided, single submitter. Criteria: Invitae Variant Classification Sherloc (09022015). Collection method: clinical testing. Allele origin: germline.
Comment: This sequence change replaces lysine, which is basic and polar, with glutamic acid, which is acidic and polar, at codon 57 of the GNB4 protein (p.Lys57Glu). This variant is not present in population databases (gnomAD no frequency). This missense change has been observed in individual(s) with clinical features of Charcot-Marie-Tooth disease (PMID: 27908631; internal data). In at least one individual the variant was observed to be de novo. ClinVar contains an entry for this variant (Variation ID: 856439). Invitae Evidence Modeling of protein sequence and biophysical properties (such as structural, functional, and spatial information, amino acid conservation, physicochemical variation, residue mobility, and thermodynamic stability) indicates that this missense variant is expected to disrupt GNB4 protein function with a positive predictive value of 95%. For these reasons, this variant has been classified as Pathogenic.

CeGaT Center for Human Genetics Tuebingen
Classification: Likely pathogenic. Last evaluated: 2022-11-01. Review status: criteria provided, single submitter. Criteria: CeGaT Center For Human Genetics Tuebingen Variant Classification Criteria Version 2. Collection method: clinical testing. Allele origin: germline. Affected: yes. Observed: 1 variant allele.
Comment: GNB4: PM2, PM6, PS4:Moderate, PP4

Literature cited by the submitters: PubMed 27908631 (cited by Labcorp Genetics (formerly Invitae), Labcorp).

NM_021629.4(GNB4):c.169A>G (p.Lys57Glu)

Gene: GNB4 (G protein subunit beta 4; minus strand). Cytogenetic location: 3q26.33.
Variant type: single nucleotide variant.
Coding change: c.169A>G on transcript NM_021629.4 (MANE Select); coding-DNA position 169, A replaced by G.
Protein change: p.Lys57Glu; replaces lysine 57 with glutamic acid.
Molecular consequence: missense variant.
Genome position (GRCh38, 1-based): chr3:179,419,433, T>C on the plus strand (A>G on the coding strand, the complement: GNB4 is on the minus strand). VCF-style: chr3-179419433-T-C. GRCh37 (hg19) VCF-style: chr3-179137221-T-C.
Other names: short protein forms K57E.
Identifiers: ClinVar variation 856439 (VCV000856439.36), dbSNP rs1714910248, ClinGen allele CA355471050.